The following is an entry in ClinVar:

NM_001001548.3(CD36):c.1254+1G>C

Gene: CD36 (CD36 molecule (CD36 blood group); plus strand). Cytogenetic location: 7q21.11.
Variant type: single nucleotide variant.
Coding change: c.1254+1G>C on transcript NM_001001548.3 (MANE Select); the canonical splice donor site of the intron after coding-DNA position 1254, G replaced by C.
Molecular consequence: splice donor variant.
Genome position (GRCh38, 1-based): chr7:80,673,410, G>C. VCF-style: chr7-80673410-G-C. GRCh37 (hg19) VCF-style: chr7-80302726-G-C.
Other names: c.1254+1G>C (NM_001371075.1, NM_001001547.3, NM_001371074.1 and 5 more transcripts); c.789+1G>C (NM_001371081.1, NM_001371080.1); c.1026+1G>C (NM_001289911.2); c.1152+1G>C (NM_001371079.1); c.1074+1G>C (NM_001289909.1); c.1137+1G>C (NM_001289908.1).
Identifiers: ClinVar variation 3362816 (VCV003362816.3).
Genomic context (GRCh38, chr7:80,673,410, plus strand): 5'-TACAGAGTATTAAAGAATCTGAAGAGGAACTATATTGTGCCTATTCTTTGGCTTAATGAG[G>C]TTTGTATTTGCAGCTGTTAGTCATTAAAAACAACCTTCTTTGTATATAAACAAGCTCTTG-3'

ClinVar aggregate classification (germline): Likely pathogenic (1 of 4 stars; one submission).

Conditions:
Platelet-type bleeding disorder 10. Also called: CD36 DEFICIENCY. Identifiers: MedGen C1842090, MONDO:0012031, OMIM 608404.

Submission:

Neuberg Centre For Genomic Medicine, NCGM
Classification: Likely pathogenic for Platelet-type bleeding disorder 10. Review status: criteria provided, single submitter. Criteria: ACMG Guidelines, 2015. Collection method: clinical testing. Allele origin: germline. Inheritance: Autosomal recessive inheritance. Affected: yes.
Comment: The observed splice donor c.1254+1G>C variant in CD36 gene has not been reported previously as a pathogenic variant nor as a benign variant, to our knowledge. This variant is reported with the allele frequency of 0.0008% in the gnomAD Exomes. The variant affects the GT donor splice site downstream of exon 13. This variant is predicted to cause loss of normal protein function through protein truncation. Loss of function variants have been previously reported to be disease causing. The spliceAI tool predicts that this splice site variant is Likely damaging. For these reasons, this variant has been classified as Likely Pathogenic. In the absence of another reportable variant, the molecular diagnosis is not confirmed.